The following is an entry in ClinVar:

ClinVar aggregate classification (germline): Conflicting classifications of pathogenicity. Review status: criteria provided, conflicting classifications (1 of 4 stars). 6 submissions from 6 submitters: Uncertain significance (5); Likely benign (1). Last evaluated 2026-04-07.

Conditions:
Brittle cornea syndrome 2 (BCS2). Identifiers: Orphanet 90354, MedGen C3280011, MONDO:0013605, OMIM 614170.
Ehlers-Danlos syndrome (EDS). Identifiers: Orphanet 98249, MedGen C0013720, MONDO:0020066.
Cardiovascular phenotype. Identifiers: MedGen CN230736.

Allele frequency attached by ClinVar (database versions not stated): ExAC 0.00003; gnomAD exomes 0.00003 and 0.00004; TOPMed 0.00003; gnomAD 0.00004 and 0.00005; 1000 Genomes Project 30x 0.00047; 1000 Genomes Project 0.00060.
gnomAD v4.1: 50 of 1,614,180 alleles (0.0031%); highest among the groups gnomAD compares: Middle Eastern, 0.082%; no homozygotes.

Submissions (6):

Women's Health and Genetics/Laboratory Corporation of America, LabCorp
Classification: Uncertain significance. Last evaluated: 2026-04-07. Review status: criteria provided, single submitter. Criteria: LabCorp Variant Classification Summary - May 2015. Collection method: clinical testing. Allele origin: germline.
Comment: Variant summary: PRDM5 c.839A>G (p.Lys280Arg) results in a conservative amino acid change in the encoded protein sequence. Algorithms developed to predict the effect of missense changes on protein structure and function are either unavailable or do not agree on the potential impact of this missense change. The variant allele was found at a frequency of 3.6e-05 in 251350 control chromosomes. The available data on variant occurrences in the general population are insufficient to allow any conclusion about variant significance. To our knowledge, no occurrence of c.839A>G in individuals affected with PRDM5-related conditions and no experimental evidence demonstrating its impact on protein function have been reported. ClinVar contains an entry for this variant (Variation ID: 809674). Based on the evidence outlined above, the variant was classified as uncertain significance.

Ambry Genetics
Classification: Likely benign for Cardiovascular phenotype. Last evaluated: 2025-08-21. Review status: criteria provided, single submitter. Criteria: Ambry Variant Classification Scheme 2023. Collection method: clinical testing. Allele origin: germline.

GeneDx
Classification: Uncertain significance. Last evaluated: 2023-02-16. Review status: criteria provided, single submitter. Criteria: GeneDx Variant Classification Process June 2021. Collection method: clinical testing. Allele origin: germline. Affected: yes.
Comment: In silico analysis supports that this missense variant does not alter protein structure/function; Has not been previously published as pathogenic or benign to our knowledge

Genome Diagnostics Laboratory, The Hospital for Sick Children
Classification: Uncertain significance for Ehlers-Danlos syndrome. Last evaluated: 2021-11-15. Review status: criteria provided, single submitter. Criteria: ACMG Guidelines, 2015. Collection method: clinical testing. Allele origin: germline.

Revvity Omics, Revvity
Classification: Uncertain significance for Brittle cornea syndrome 2. Last evaluated: 2019-08-21. Review status: criteria provided, single submitter. Criteria: ACMG Guidelines, 2015. Collection method: clinical testing. Allele origin: germline.

CeGaT Center for Human Genetics Tuebingen
Classification: Uncertain significance. Last evaluated: 2016-09-01. Review status: criteria provided, single submitter. Criteria: CeGaT Center For Human Genetics Tuebingen Variant Classification Criteria Version 2. Collection method: clinical testing. Allele origin: germline. Affected: yes. Observed: 1 variant allele.

NM_018699.4(PRDM5):c.839A>G (p.Lys280Arg)

Gene: PRDM5 (PR/SET domain 5; minus strand). Cytogenetic location: 4q27.
Variant type: single nucleotide variant.
Coding change: c.839A>G on transcript NM_018699.4 (MANE Select); coding-DNA position 839, A replaced by G.
Protein change: p.Lys280Arg; replaces lysine 280 with arginine.
Molecular consequence: missense variant.
Genome position (GRCh38, 1-based): chr4:120,816,479, T>C on the plus strand (A>G on the coding strand, the complement: PRDM5 is on the minus strand). VCF-style: chr4-120816479-T-C. GRCh37 (hg19) VCF-style: chr4-121737634-T-C.
Other names: c.746A>G, p.Lys249Arg (NM_001300823.2, NM_001300824.2, NM_001379106.1); c.839A>G, p.Lys280Arg (NM_001379104.1); short protein forms K280R, K249R.
Identifiers: ClinVar variation 809674 (VCV000809674.54), dbSNP rs183142477, ClinGen allele CA3061275.